The following is an entry in ClinVar:

ClinVar aggregate classification (germline): Conflicting classifications of pathogenicity. Review status: criteria provided, conflicting classifications (1 of 4 stars). 3 submissions from 3 submitters: Likely pathogenic (1); Uncertain significance (2). Last evaluated 2024-07-25.

Conditions:
PROM1-related disorder. Also called: PROM1-related disorders; PROM1-related condition.

Submissions (3):

GeneDx
Classification: Uncertain significance. Last evaluated: 2024-07-25. Review status: criteria provided, single submitter. Criteria: GeneDx Variant Classification Process June 2021. Collection method: clinical testing. Allele origin: germline. Affected: yes.
Comment: Not observed at significant frequency in large population cohorts (gnomAD); In silico analysis supports that this missense variant has a deleterious effect on protein structure/function; Has not been previously published as pathogenic or benign to our knowledge

Labcorp Genetics (formerly Invitae), Labcorp
Classification: Uncertain significance. Last evaluated: 2022-10-17. Review status: criteria provided, single submitter. Criteria: Invitae Variant Classification Sherloc (09022015). Collection method: clinical testing. Allele origin: germline.
Comment: In summary, the available evidence is currently insufficient to determine the role of this variant in disease. Therefore, it has been classified as a Variant of Uncertain Significance. Advanced modeling of protein sequence and biophysical properties (such as structural, functional, and spatial information, amino acid conservation, physicochemical variation, residue mobility, and thermodynamic stability) has been performed at Invitae for this missense variant, however the output from this modeling did not meet the statistical confidence thresholds required to predict the impact of this variant on PROM1 protein function. ClinVar contains an entry for this variant (Variation ID: 1363722). This variant has not been reported in the literature in individuals affected with PROM1-related conditions. This variant is not present in population databases (gnomAD no frequency). This sequence change replaces serine, which is neutral and polar, with phenylalanine, which is neutral and non-polar, at codon 641 of the PROM1 protein (p.Ser641Phe).

Blueprint Genetics
Classification: Likely pathogenic for PROM1-related disorders. Last evaluated: 2022-03-14. Review status: criteria provided, single submitter. Criteria: ACMG Guidelines, 2015. Collection method: clinical testing. Allele origin: germline. Affected: yes. Observed: 4 variant alleles.

NM_006017.3(PROM1):c.1922C>T (p.Ser641Phe)

Gene: PROM1 (prominin 1; minus strand). Cytogenetic location: 4p15.32.
Variant type: single nucleotide variant.
Coding change: c.1922C>T on transcript NM_006017.3 (MANE Select); coding-DNA position 1922, C replaced by T.
Protein change: p.Ser641Phe; replaces serine 641 with phenylalanine.
Molecular consequence: missense variant.
Genome position (GRCh38, 1-based): chr4:15,991,283, G>A on the plus strand (C>T on the coding strand, the complement: PROM1 is on the minus strand). VCF-style: chr4-15991283-G-A. GRCh37 (hg19) VCF-style: chr4-15992906-G-A.
Other names: c.1895C>T, p.Ser632Phe (NM_001145847.2, NM_001145848.2, NM_001145851.2 and 4 more transcripts); c.1922C>T, p.Ser641Phe (NM_001145849.2, NM_001145850.2); c.1922C>T (NM_006017.2); short protein forms S632F, S641F.
Identifiers: ClinVar variation 1363722 (VCV001363722.8), dbSNP rs2149113732, ClinGen allele CA356430502.